The following is an entry in ClinVar:

NM_001256715.2(DNAAF3):c.368G>A (p.Arg123His)

Genes: DNAAF3 (dynein axonemal assembly factor 3; minus strand), DNAAF3-AS1 (DNAAF3 antisense RNA 1; plus strand). Cytogenetic location: 19q13.42.
Variant type: single nucleotide variant.
Coding change: c.368G>A on transcript NM_001256715.2 (MANE Select); coding-DNA position 368, G replaced by A.
Protein change: p.Arg123His; replaces arginine 123 with histidine.
Molecular consequence: missense variant.
Genome position (GRCh38, 1-based): chr19:55,162,245, C>T on the plus strand (G>A on the coding strand, the complement: DNAAF3 is on the minus strand). VCF-style: chr19-55162245-C-T. GRCh37 (hg19) VCF-style: chr19-55673613-C-T.
Other names: c.572G>A, p.Arg191His (NM_001256714.1); c.206G>A, p.Arg69His (NM_001256716.2); c.509G>A, p.Arg170His (NM_178837.4); short protein forms R170H, R69H, R123H, R191H.
Identifiers: ClinVar variation 1749319 (VCV001749319.7), dbSNP rs1432760382, ClinGen allele CA407458078.
Genomic context (GRCh38, chr19:55,162,245, plus strand): 5'-TCGGGGACCAGGTGCGCCAGCAGGTCGGCCTGGGCACGCACGAAGGCGGCCACTGGCGGG[C>T]GCAGCAGCGCGTTCCCCCACACTTCCAGGAAGGTCTCGCTTCGCTCTACGGAGAGAGGGA-3'
Protein context (NP_001243644.1, residues 113-133): FLEVWGNALL[Arg123His]PPVAAFVRAQ

ClinVar aggregate classification (germline): Uncertain significance. Review status: criteria provided, multiple submitters, no conflicts (2 of 4 stars). 3 submissions from 3 submitters: Uncertain significance (3). Last evaluated 2026-09-09.

Conditions:
Primary ciliary dyskinesia. Also called: Ciliary dyskinesia. Identifiers: Orphanet 244, MedGen C0008780, MONDO:0016575, HP:0012265.

Allele frequency attached by ClinVar (database versions not stated): TOPMed below 0.00001; gnomAD 0.00001.
gnomAD v4.1: 4 of 1,246,860 alleles (0.00032%); highest among the groups gnomAD compares: Non-Finnish European, 0.0004%; no homozygotes.

Submissions (3):

GeneDx
Classification: Uncertain significance. Last evaluated: 2026-09-09. Review status: criteria provided, single submitter. Criteria: GeneDx Variant Classification Process June 2021. Collection method: clinical testing. Allele origin: germline.
Comment: Not observed at significant frequency in large population cohorts (gnomAD); In silico analysis supports that this missense variant has a deleterious effect on protein structure/function; Has not been previously published as pathogenic or benign to our knowledge

Labcorp Genetics (formerly Invitae), Labcorp
Classification: Uncertain significance for Primary ciliary dyskinesia. Last evaluated: 2022-01-19. Review status: criteria provided, single submitter. Criteria: Invitae Variant Classification Sherloc (09022015). Collection method: clinical testing. Allele origin: germline.
Comment: Algorithms developed to predict the effect of missense changes on protein structure and function are either unavailable or do not agree on the potential impact of this missense change (SIFT: "Deleterious"; PolyPhen-2: "Probably Damaging"; Align-GVGD: "Class C0"). In summary, the available evidence is currently insufficient to determine the role of this variant in disease. Therefore, it has been classified as a Variant of Uncertain Significance. This variant has not been reported in the literature in individuals affected with DNAAF3-related conditions. This variant is not present in population databases (gnomAD no frequency). This sequence change replaces arginine, which is basic and polar, with histidine, which is basic and polar, at codon 191 of the DNAAF3 protein (p.Arg191His).

Ambry Genetics
Classification: Uncertain significance for Primary ciliary dyskinesia. Last evaluated: 2021-12-23. Review status: criteria provided, single submitter. Criteria: Ambry Variant Classification Scheme 2023. Collection method: clinical testing. Allele origin: germline.
Comment: The p.R191H variant (also known as c.572G>A), located in coding exon 5 of the DNAAF3 gene, results from a G to A substitution at nucleotide position 572. The arginine at codon 191 is replaced by histidine, an amino acid with highly similar properties. This amino acid position is conserved. In addition, the in silico prediction for this alteration is inconclusive. Since supporting evidence is limited at this time, the clinical significance of this alteration remains unclear.